The following is an entry in ClinVar:

ClinVar aggregate classification (germline): Likely pathogenic (1 of 4 stars; one submission).

Conditions:
Neurodevelopmental disorder with poor growth and behavioral abnormalities (NEDGBA). Identifiers: MedGen C5830273, MONDO:0859377, OMIM 620242.

Submission:

Dubai Health Genomic Medicine Center, Dubai Health
Classification: Likely pathogenic for Neurodevelopmental disorder with poor growth and behavioral abnormalities. Last evaluated: 2024-10-04. Review status: criteria provided, single submitter. Criteria: ACMG Guidelines, 2015. Collection method: research. Allele origin: germline. Affected: yes.
Comment: PVS1,PM2

NM_006045.3(ATP9A):c.2031_2032del (p.Asp679fs)

Gene: ATP9A (ATPase phospholipid transporting 9A; minus strand). Cytogenetic location: 20q13.2.
Variant type: Deletion.
Coding change: c.2031_2032del on transcript NM_006045.3 (MANE Select); coding-DNA positions 2031 to 2032, 2 bases deleted (AG; older notation c.2031_2032delAG).
Protein change: p.Asp679fs; shifts the reading frame from aspartic acid 679.
Molecular consequence: frameshift variant.
Genome position (GRCh38, 1-based): chr20:51,622,157-51,622,158, CT deleted on the plus strand (AG on the coding strand, the reverse complement: ATP9A is on the minus strand). VCF-style (leftmost placement, unchanged base first): chr20-51622156-CCT-C. GRCh37 (hg19) VCF-style: chr20-50238695-CCT-C.
Other names: short protein forms D679fs.
Identifiers: ClinVar variation 3384062 (VCV003384062.1).